The following is an entry in ClinVar:

NM_015443.4(KANSL1):c.2015C>A (p.Pro672Gln)

Gene: KANSL1 (KAT8 regulatory NSL complex subunit 1). Cytogenetic location: 17q21.31.
Variant type: single nucleotide variant.
Coding change: c.2015C>A on transcript NM_015443.4 (MANE Select); coding-DNA position 2015, C replaced by A.
Protein change: p.Pro672Gln; replaces proline 672 with glutamine.
Molecular consequence: missense variant.
Genome position (GRCh38, 1-based): chr17:46,050,538, G>T on the plus strand (C>A on the coding strand, the complement: KANSL1 is on the minus strand). VCF-style: chr17-46050538-G-T. GRCh37 (hg19) VCF-style: chr17-44127904-G-T.
Other names: c.2015C>A, p.Pro672Gln (NM_001193465.2, NM_001193466.2, NM_001379198.1 and 14 more transcripts); c.1913C>A, p.Pro638Gln (NM_001405859.1, NM_001405860.1, NM_001405861.1 and 1 more transcripts); c.749C>A, p.Pro250Gln (NM_001405882.1, NM_001405883.1, NM_001405884.1 and 1 more transcripts); short protein forms P250Q, P638Q, P672Q.
Identifiers: ClinVar variation 3666422 (VCV003666422.2).
Genomic context (GRCh38, chr17:46,050,538, plus strand): 5'-CTAGAAGTCTCTCAAGTTTCTTTCATTAGACTTTCTAGTCTGTGGTCTTTCTTACCATCT[G>T]GAAATGCTAGAACAGGATGAACACAAGAGTCCAACTGGGAAAGACGTTCCAACAGAGGGG-3'
Protein context (NP_056258.1, residues 662-682): DSCVHPVLAF[Pro672Gln]DDVPTSLHFQ

ClinVar aggregate classification (germline): Uncertain significance (1 of 4 stars; one submission).

Conditions:
Koolen-de Vries syndrome (KDVS). Identifiers: Orphanet 96169, MedGen C1864871, MONDO:0012496, OMIM 610443.

Submission:

Labcorp Genetics (formerly Invitae), Labcorp
Classification: Uncertain significance for Koolen-de Vries syndrome. Last evaluated: 2026-01-05. Review status: criteria provided, single submitter. Criteria: Invitae Variant Classification Sherloc (09022015). Collection method: clinical testing. Allele origin: germline.
Comment: This sequence change replaces proline, which is neutral and non-polar, with glutamine, which is neutral and polar, at codon 672 of the KANSL1 protein (p.Pro672Gln). This variant is not present in population databases (gnomAD no frequency). This variant has not been reported in the literature in individuals affected with KANSL1-related conditions. ClinVar contains an entry for this variant (Variation ID: 3666422). Invitae Evidence Modeling of protein sequence and biophysical properties (such as structural, functional, and spatial information, amino acid conservation, physicochemical variation, residue mobility, and thermodynamic stability) indicates that this missense variant is not expected to disrupt KANSL1 protein function with a negative predictive value of 80%. In summary, the available evidence is currently insufficient to determine the role of this variant in disease. Therefore, it has been classified as a Variant of Uncertain Significance.